The following is an entry in ClinVar:

NM_198576.4(AGRN):c.4298+21_4298+55dup

Gene: AGRN (agrin; plus strand). Cytogenetic location: 1p36.33.
Variant type: Duplication.
Coding change: c.4298+21_4298+55dup on transcript NM_198576.4 (MANE Select); bases 21 to 55 of the intron after coding-DNA position 4298, 35 bases duplicated.
Molecular consequence: splice donor variant.
Genome position (GRCh38, 1-based): chr1:1,049,080-1,049,114, 35 bases duplicated; duplicating any 35 consecutive bases within chr1:1,049,051-1,049,114 gives the same sequence; the c. name uses the placement nearest the transcript's 3' end. GRCh37 (hg19): chr1:984,460-984,494.
Other names: c.4298+21_4298+55dup (NM_001305275.2); c.3983+21_3983+55dup (NM_001364727.2).
Identifiers: ClinVar variation 1431707 (VCV001431707.7), dbSNP rs1156907002, ClinGen allele CA2573130447.

ClinVar aggregate classification (germline): Uncertain significance (1 of 4 stars; one submission).

Conditions:
Congenital myasthenic syndrome 8. Also called: Myasthenic syndrome, congenital, 8, with pre- and postsynaptic defects; MYASTHENIC SYNDROME, CONGENITAL, DUE TO AGRIN DEFICIENCY. Identifiers: Orphanet 590, MedGen C3808739, MONDO:0014052, OMIM 615120.

Submission:

Labcorp Genetics (formerly Invitae), Labcorp
Classification: Uncertain significance for Congenital myasthenic syndrome 8. Last evaluated: 2021-03-26. Review status: criteria provided, single submitter. Criteria: Invitae Variant Classification Sherloc (09022015). Collection method: clinical testing. Allele origin: germline.
Comment: In summary, the available evidence is currently insufficient to determine the role of this variant in disease. Therefore, it has been classified as a Variant of Uncertain Significance. Algorithms developed to predict the effect of sequence changes on RNA splicing suggest that this variant may create or strengthen a splice site, but this prediction has not been confirmed by published transcriptional studies. This variant has not been reported in the literature in individuals with AGRN-related conditions. The frequency data for this variant in the population databases is considered unreliable, as metrics indicate insufficient coverage at this position in the ExAC database. This sequence change falls in intron 24 of the AGRN gene. It does not directly change the encoded amino acid sequence of the AGRN protein.